The following is an entry in ClinVar:

NM_000138.5(FBN1):c.6120T>G (p.Cys2040Trp)

Gene: FBN1 (fibrillin 1; minus strand). Cytogenetic location: 15q21.1.
Variant type: single nucleotide variant.
Coding change: c.6120T>G on transcript NM_000138.5 (MANE Select); coding-DNA position 6120, T replaced by G.
Protein change: p.Cys2040Trp; replaces cysteine 2040 with tryptophan.
Molecular consequence: missense variant.
Genome position (GRCh38, 1-based): chr15:48,441,764, A>C on the plus strand (T>G on the coding strand, the complement: FBN1 is on the minus strand). VCF-style: chr15-48441764-A-C. GRCh37 (hg19) VCF-style: chr15-48733961-A-C.
Other names: c.6120T>G, p.Cys2040Trp (NM_001406716.1); short protein forms C2040W.
Identifiers: ClinVar variation 1751735 (VCV001751735.7), dbSNP rs193922221, ClinGen allele CA392338159.

ClinVar aggregate classification (germline): Pathogenic. Review status: criteria provided, multiple submitters, no conflicts (2 of 4 stars). 2 submissions from 2 submitters: Pathogenic (2). Last evaluated 2022-03-26.

Conditions:
Marfan syndrome (MFS). Also called: Marfan's syndrome; Marfan syndrome, classic; MARFAN SYNDROME, TYPE I; Marfan syndrome type 1; FBN1-Related Marfan Syndrome. Identifiers: Orphanet 284963, Orphanet 558, MedGen C0024796, MONDO:0007947, OMIM 154700.
Familial thoracic aortic aneurysm and aortic dissection (TAAD). Also called: Thoracic aortic aneurysms and dissections. Identifiers: Orphanet 91387, MedGen C4707243, MONDO:0019625.

Submissions (2):

Labcorp Genetics (formerly Invitae), Labcorp
Classification: Pathogenic for Marfan syndrome; Familial thoracic aortic aneurysm and aortic dissection. Last evaluated: 2022-03-26. Review status: criteria provided, single submitter. Criteria: Invitae Variant Classification Sherloc (09022015). Collection method: clinical testing. Allele origin: germline.
Comment: For these reasons, this variant has been classified as Pathogenic. This variant disrupts the p.Cys2040 amino acid residue in FBN1. Other variant(s) that disrupt this residue have been observed in individuals with FBN1-related conditions (PMID: 25652356, 31730815), which suggests that this may be a clinically significant amino acid residue. This variant affects a cysteine residue in the EGF-like, TGFBP or hybrid motif domains of FBN1. Cysteine residues are believed to be involved in intramolecular disulfide bridges and have been shown to be important for FBN1 protein structure (PMID: 16905551, 19349279). In addition, missense substitutions affecting cysteine residues within these domains are significantly overrepresented among patients with Marfan syndrome (PMID: 16571647, 17701892). Advanced modeling of protein sequence and biophysical properties (such as structural, functional, and spatial information, amino acid conservation, physicochemical variation, residue mobility, and thermodynamic stability) performed at Invitae indicates that this missense variant is expected to disrupt FBN1 protein function. This missense change has been observed in individual(s) with clinical features of FBN1-related conditions (Invitae). This variant is not present in population databases (gnomAD no frequency). This sequence change replaces cysteine, which is neutral and slightly polar, with tryptophan, which is neutral and slightly polar, at codon 2040 of the FBN1 protein (p.Cys2040Trp).

Ambry Genetics
Classification: Pathogenic for Familial thoracic aortic aneurysm and aortic dissection. Last evaluated: 2022-01-19. Review status: criteria provided, single submitter. Criteria: Ambry Variant Classification Scheme 2023. Collection method: clinical testing. Allele origin: germline.
Comment: The p.C2040W pathogenic mutation (also known as c.6120T>G), located in coding exon 49 of the FBN1 gene, results from a T to G substitution at nucleotide position 6120. The cysteine at codon 2040 is replaced by tryptophan, an amino acid with highly dissimilar properties. The majority of FBN1 mutations identified to date have involved the substitution or generation of cysteine residues within cbEGF domains (Vollbrandt T et al. J Biol Chem. 2004;279(31):32924-32931). This alteration has been observed in at least one individual with a personal and/or family history that is consistent with Marfan syndrome (MFS) (Ambry internal data). Other alterations at the same codon, p.C2040Y (c.6119G>A), p.C2040R (c.6118T>C), and p.C2040F (c.6119G>T) have been detected in individuals reported to have MFS or MFS-related features (Baudhuin LM et al. J Hum Genet, 2015 May;60:241-52; Mannucci L et al. Clin Chim Acta, 2020 Feb;501:154-164; Ambry internal data). Based on internal structural assessment, this alteration eliminates a structurally critical disulfide bond in the structurally sensitive cbEGF-like domain #31. This variant is considered to be rare based on population cohorts in the Genome Aggregation Database (gnomAD). This amino acid position is highly conserved in available vertebrate species. In addition, this alteration is predicted to be deleterious by in silico analysis. Based on the supporting evidence, this alteration is interpreted as a disease-causing mutation.

Literature cited by the submitters: PubMed 25652356 (cited by Labcorp Genetics (formerly Invitae), Labcorp); PubMed 31730815 (cited by Labcorp Genetics (formerly Invitae), Labcorp); PubMed 16905551 (cited by Labcorp Genetics (formerly Invitae), Labcorp); PubMed 19349279 (cited by Labcorp Genetics (formerly Invitae), Labcorp); PubMed 16571647 (cited by Labcorp Genetics (formerly Invitae), Labcorp); PubMed 17701892 (cited by Labcorp Genetics (formerly Invitae), Labcorp).